The following is an entry in ClinVar:

ClinVar aggregate classification (germline): Uncertain significance. Review status: criteria provided, multiple submitters, no conflicts (2 of 4 stars). 2 submissions from 2 submitters: Uncertain significance (2). Last evaluated 2025-01-17.

Submissions (2):

Ambry Genetics
Classification: Uncertain significance. Last evaluated: 2025-01-17. Review status: criteria provided, single submitter. Criteria: Ambry Variant Classification Scheme 2023. Collection method: clinical testing. Allele origin: germline.
Comment: The p.S482G variant (also known as c.1444A>G), located in coding exon 11 of the RECQL gene, results from an A to G substitution at nucleotide position 1444. The serine at codon 482 is replaced by glycine, an amino acid with similar properties. This amino acid position is conserved. In addition, this alteration is predicted to be tolerated by in silico analysis. Based on the available evidence, the clinical significance of this variant remains unclear.

GeneDx
Classification: Uncertain significance. Last evaluated: 2019-05-23. Review status: criteria provided, single submitter. Criteria: GeneDx Variant Classification Process June 2021. Collection method: clinical testing. Allele origin: germline. Affected: yes.
Comment: Not observed in large population cohorts (Lek et al., 2016); Has not been previously published as pathogenic or benign to our knowledge

NM_002907.4(RECQL):c.1444A>G (p.Ser482Gly)

Gene: RECQL (RecQ like helicase; minus strand). Cytogenetic location: 12p12.1.
Variant type: single nucleotide variant.
Coding change: c.1444A>G on transcript NM_002907.4 (MANE Select); coding-DNA position 1444, A replaced by G.
Protein change: p.Ser482Gly; replaces serine 482 with glycine.
Molecular consequence: missense variant.
Genome position (GRCh38, 1-based): chr12:21,473,554, T>C on the plus strand (A>G on the coding strand, the complement: RECQL is on the minus strand). VCF-style: chr12-21473554-T-C. GRCh37 (hg19) VCF-style: chr12-21626488-T-C.
Other names: c.1444A>G, p.Ser482Gly (NM_032941.3); short protein forms S482G.
Identifiers: ClinVar variation 1306195 (VCV001306195.3), dbSNP rs2137327788, ClinGen allele CA384117229.